The following is an entry in ClinVar:

ClinVar aggregate classification (germline): Likely pathogenic (1 of 4 stars; one submission).

Conditions:
Familial intrahepatic cholestasis. Identifiers: Orphanet 284385, MedGen CN296401, MONDO:0017290.

Submissions (2):

Genomenon, Inc
Classification: Likely pathogenic for Familial intrahepatic cholestasis. Last evaluated: 2026-04-14. Review status: criteria provided, single submitter. Criteria: Genomenon Sequence Variant Interpretation Standards - Updated. Collection method: curation. Allele origin: germline. Affected: no.
Comment: ATP8B1 c.1820-1G>C is a canonical splice variant affecting the acceptor splice site of intron 16. This variant has been reported in the published literature (PMID:23033845). At least one splicing study demonstrated this variant results in aberrant splicing (PMID:23033845). It is absent or not present at a significant frequency in gnomAD. In conclusion, we classify ATP8B1 c.1820-1G>C as a likely pathogenic variant.

Dr. Peter K. Rogan Lab, Western University
No classification provided (evidence only). Condition: Gastric cancer. Review status: no classification provided. Collection method: in vitro. Allele origin: not applicable. Functional consequence: cryptic splice site. Not counted in ClinVar's aggregate classification.

Literature cited by the submitters: PubMed 23033845 (cited by Genomenon, Inc).

NM_001374385.1(ATP8B1):c.1820-1G>C

Gene: ATP8B1 (ATPase phospholipid transporting 8B1; minus strand). Cytogenetic location: 18q21.31.
Variant type: single nucleotide variant.
Coding change: c.1820-1G>C on transcript NM_001374385.1 (MANE Select); the canonical splice acceptor site of the intron before coding-DNA position 1820, G replaced by C.
Molecular consequence: splice acceptor variant.
Genome position (GRCh38, 1-based): chr18:57,671,581, C>G on the plus strand (G>C on the coding strand, the complement: ATP8B1 is on the minus strand). VCF-style: chr18-57671581-C-G. GRCh37 (hg19) VCF-style: chr18-55338813-C-G.
Other names: NC_000018.9:g.55338813C>G; c.1820-1G>C (NM_005603.6); c.1670-1G>C (NM_001374386.1).
Identifiers: ClinVar variation 4432161 (VCV004432161.2).